The following is an entry in ClinVar:

NM_001605.3(AARS1):c.2294G>A (p.Arg765Lys)

Gene: AARS1 (alanyl-tRNA synthetase 1; minus strand). Cytogenetic location: 16q22.1.
Variant type: single nucleotide variant.
Coding change: c.2294G>A on transcript NM_001605.3 (MANE Select); coding-DNA position 2294, G replaced by A.
Protein change: p.Arg765Lys; replaces arginine 765 with lysine.
Molecular consequence: missense variant.
Genome position (GRCh38, 1-based): chr16:70,254,727, C>T on the plus strand (G>A on the coding strand, the complement: AARS1 is on the minus strand). VCF-style: chr16-70254727-C-T. GRCh37 (hg19) VCF-style: chr16-70288630-C-T.
Other names: short protein forms R765K.
Identifiers: ClinVar variation 1682142 (VCV001682142.6), dbSNP rs758250941, ClinGen allele CA8140468.

ClinVar aggregate classification (germline): Uncertain significance (1 of 4 stars; one submission).

Conditions:
Charcot-Marie-Tooth disease type 2. Also called: Charcot-Marie-Tooth type 2. Identifiers: Orphanet 64746, MedGen C0270914, MONDO:0018993.

Allele frequency attached by ClinVar (database versions not stated): gnomAD exomes below 0.00001; ExAC 0.00001.
gnomAD v4.1: 1 of 1,612,322 alleles (0.000062%); highest among the groups gnomAD compares: Non-Finnish European, 0.000085%; no homozygotes.

Submission:

Labcorp Genetics (formerly Invitae), Labcorp
Classification: Uncertain significance for Charcot-Marie-Tooth disease type 2. Last evaluated: 2021-12-02. Review status: criteria provided, single submitter. Criteria: Invitae Variant Classification Sherloc (09022015). Collection method: clinical testing. Allele origin: germline.
Comment: This sequence change replaces arginine, which is basic and polar, with lysine, which is basic and polar, at codon 765 of the AARS protein (p.Arg765Lys). This variant is present in population databases (rs758250941, gnomAD 0.004%). This variant has not been reported in the literature in individuals affected with AARS-related conditions. Algorithms developed to predict the effect of missense changes on protein structure and function (SIFT, PolyPhen-2, Align-GVGD) all suggest that this variant is likely to be tolerated. In summary, the available evidence is currently insufficient to determine the role of this variant in disease. Therefore, it has been classified as a Variant of Uncertain Significance.